The following is an entry in ClinVar:

NM_001359.2(DECR1):c.69+4684C>T

Gene: DECR1 (2,4-dienoyl-CoA reductase 1; plus strand). Cytogenetic location: 8q21.3.
Variant type: single nucleotide variant.
Coding change: c.69+4684C>T on transcript NM_001359.2 (MANE Select); 4684 bases into the intron after coding-DNA position 69, C replaced by T.
Molecular consequence: intron variant. On other transcripts: synonymous variant (1).
Genome position (GRCh38, 1-based): chr8:90,006,245, C>T. VCF-style: chr8-90006245-C-T. GRCh37 (hg19) VCF-style: chr8-91018473-C-T.
Other names: c.10C>T, p.Leu4= (NM_001330575.2).
Identifiers: ClinVar variation 3352711 (VCV003352711.1).

ClinVar aggregate classification (germline): Likely benign (0 of 4 stars; one submission).

Conditions:
DECR1-related disorder. Also called: DECR1-related condition.

gnomAD v4.1: 3 of 703,890 alleles (0.00043%); highest among the groups gnomAD compares: Non-Finnish European, 0.00078%; no homozygotes.

Submission:

PreventionGenetics, part of Exact Sciences
Classification: Likely benign for DECR1-related condition. Last evaluated: 2024-04-06. Review status: no assertion criteria provided. Collection method: clinical testing. Allele origin: germline.
Comment: This variant is classified as likely benign based on ACMG/AMP sequence variant interpretation guidelines (Richards et al. 2015 PMID: 25741868, with internal and published modifications).